The following is an entry in ClinVar:

ClinVar aggregate classification (germline): Uncertain significance (1 of 4 stars; one submission).

Conditions:
Inborn genetic diseases. Identifiers: MedGen C0950123, MeSH D030342.

Submission:

Ambry Genetics
Classification: Uncertain significance for Inborn genetic diseases. Last evaluated: 2024-12-15. Review status: criteria provided, single submitter. Criteria: Ambry Variant Classification Scheme 2023. Collection method: clinical testing. Allele origin: germline.
Comment: The p.D977H variant (also known as c.2929G>C), located in coding exon 17 of the RECQL4 gene, results from a G to C substitution at nucleotide position 2929. The aspartic acid at codon 977 is replaced by histidine, an amino acid with similar properties. This amino acid position is conserved. In addition, this alteration is predicted to be tolerated by in silico analysis. Based on the available evidence, the clinical significance of this variant remains unclear.

NM_004260.4(RECQL4):c.2929G>C (p.Asp977His)

Gene: RECQL4 (RecQ like helicase 4; minus strand). Cytogenetic location: 8q24.3.
Variant type: single nucleotide variant.
Coding change: c.2929G>C on transcript NM_004260.4 (MANE Select); coding-DNA position 2929, G replaced by C.
Protein change: p.Asp977His; replaces aspartic acid 977 with histidine.
Molecular consequence: missense variant. On other transcripts: non-coding transcript variant (3).
Genome position (GRCh38, 1-based): chr8:144,512,518, C>G on the plus strand (G>C on the coding strand, the complement: RECQL4 is on the minus strand). VCF-style: chr8-144512518-C-G. GRCh37 (hg19) VCF-style: chr8-145737901-C-G.
Other names: c.2635G>C, p.Asp879His (NM_001413017.1); c.2731G>C, p.Asp911His (NM_001413018.1); c.3004G>C, p.Asp1002His (NM_001413019.1); c.2833G>C, p.Asp945His (NM_001413020.1); c.1858G>C, p.Asp620His (NM_001413021.1, NM_001413022.1, NM_001413024.1 and 4 more transcripts); c.1933G>C, p.Asp645His (NM_001413023.1); c.2800G>C, p.Asp934His (NM_001413025.1); c.1792G>C, p.Asp598His (NM_001413027.1, NM_001413030.1, NM_001413032.1); and 9 more; short protein forms D554H, D576H, D860H, D879H, D911H, D934H, D967H, D1002H.
Identifiers: ClinVar variation 3787944 (VCV003787944.1).